The following is an entry in ClinVar:

NM_021614.4(KCNN2):c.1017G>C (p.Leu339=)

Gene: KCNN2 (potassium calcium-activated channel subfamily N member 2; plus strand). Cytogenetic location: 5q22.3.
Variant type: single nucleotide variant.
Coding change: c.1017G>C on transcript NM_021614.4 (MANE Select); coding-DNA position 1017, G replaced by C.
Protein change: p.Leu339=; no amino-acid change (leucine 339 retained).
Molecular consequence: synonymous variant. On other transcripts: non-coding transcript variant (1).
Genome position (GRCh38, 1-based): chr5:114,363,156, G>C. VCF-style: chr5-114363156-G-C. GRCh37 (hg19) VCF-style: chr5-113698853-G-C.
Other names: c.1215G>C, p.Leu405= (NM_001372233.1).
Identifiers: ClinVar variation 4534322 (VCV004534322.6).
Genomic context (GRCh38, chr5:114,363,156, plus strand): 5'-CAAGTCCAGCAAAAAGAAAAACCAGAACATCGGCTACAAGCTGGGCCACCGGCGCGCCCT[G>C]TTCGAAAAGCGCAAGCGGCTCAGCGACTACGCGCTCATCTTCGGCATGTTCGGCATCGTG-3'
Protein context (NP_067627.3, residues 329-349): IGYKLGHRRA[Leu339=]FEKRKRLSDY

ClinVar aggregate classification (germline): Likely benign (1 of 4 stars; one submission).

gnomAD v4.1: 8 of 1,613,566 alleles (0.0005%); highest among the groups gnomAD compares: Middle Eastern, 0.016%; no homozygotes.

Submission:

CeGaT Center for Human Genetics Tuebingen
Classification: Likely benign. Last evaluated: 2025-11-01. Review status: criteria provided, single submitter. Criteria: CeGaT Center For Human Genetics Tuebingen Variant Classification Criteria Version 2. Collection method: clinical testing. Allele origin: germline. Affected: yes. Observed: 1 variant allele.
Comment: KCNN2: BP4, BP7